The following continues an entry in ClinVar:

NM_000551.4(VHL):c.233A>G (p.Asn78Ser)

Gene: VHL. ClinVar aggregate classification (germline): Pathogenic. Pathogenic (1).

Submissions 9 to 14 of 14:

Women's Health and Genetics/Laboratory Corporation of America, LabCorp
Classification: Pathogenic for Von Hippel-Lindau syndrome. Last evaluated: 2020-10-28. Review status: criteria provided, single submitter. Criteria: LabCorp Variant Classification Summary - May 2015. Collection method: clinical testing. Allele origin: germline. Not counted in ClinVar's aggregate classification.
Comment: Variant summary: VHL c.233A>G (p.Asn78Ser) results in a conservative amino acid change located in the von Hippel-Lindau disease tumour suppressor, beta domain (IPR024053) of the encoded protein sequence. Four of five in-silico tools predict a damaging effect of the variant on protein function. The variant was absent in 230680 control chromosomes (gnomAD). c.233A>G has been reported in the literature in multiple individuals affected with Von Hippel-Lindau Syndrome and has been shown to co-segregate with disease in different families (e.g. Zbar_1996, Cybulski_2002, Dollfus_2002, Huang_2004). These data indicate that the variant is very likely to be associated with disease. Experimental evidence demonstrated the variant impairs protein function and stability and results in compromised tight junction formation, disorganized cell morphology and increased HIF (hypoxia-inducible factor) activation (e.g. Bangiyeva_2009, Bond_2011). Seven ClinVar submitters (evaluation after 2014) cite the variant as pathogenic. Based on the evidence outlined above, the variant was classified as pathogenic.

Eurofins Ntd Llc (ga)
Classification: Pathogenic. Last evaluated: 2017-05-03. Review status: criteria provided, single submitter. Criteria: EGL Classification Definitions 2015. Collection method: clinical testing. Allele origin: germline. Observed: 5 variant alleles, 5 heterozygotes. Not counted in ClinVar's aggregate classification.

PreventionGenetics, part of Exact Sciences
Classification: Pathogenic. Last evaluated: 2016-11-06. Review status: criteria provided, single submitter. Criteria: ACMG Guidelines, 2015. Collection method: clinical testing. Allele origin: germline. Not counted in ClinVar's aggregate classification.

Clinical Genomics Labs, University Health Network
Classification: Pathogenic for Von Hippel-Lindau syndrome. Last evaluated: 2019-07-10. Review status: no assertion criteria provided. Criteria: ACMG Guidelines, 2015. Collection method: clinical testing. Allele origin: germline. Not counted in ClinVar's aggregate classification.

Counsyl
Classification: Pathogenic for Von Hippel-Lindau syndrome. Last evaluated: 2017-10-19. Review status: no assertion criteria provided. Collection method: clinical testing. Allele origin: unknown. Not counted in ClinVar's aggregate classification.

Genomic Diagnostic Laboratory, Division of Genomic Diagnostics, Children's Hospital of Philadelphia
Classification: Pathogenic for Von Hippel-Lindau syndrome. Last evaluated: 2016-02-26. Review status: no assertion criteria provided. Collection method: clinical testing. Allele origin: germline. Affected: yes. Observed: 5 variant alleles. Not counted in ClinVar's aggregate classification.

Literature cited by the submitters: PubMed 21715564 (cited by ClinGen VHL Variant Curation Expert Panel, ClinGen and Counsyl); PubMed 27439424 (cited by Ambry Genetics and Quest Diagnostics Nichols Institute San Juan Capistrano); PubMed 27527340 (cited by Ambry Genetics and Quest Diagnostics Nichols Institute San Juan Capistrano); PubMed 7728151 (cited by Labcorp Genetics (formerly Invitae), Labcorp); PubMed 8956040 (cited by Labcorp Genetics (formerly Invitae), Labcorp and Women's Health and Genetics/Laboratory Corporation of America, LabCorp); PubMed 12114495 (cited by Labcorp Genetics (formerly Invitae), Labcorp and Women's Health and Genetics/Laboratory Corporation of America, LabCorp); PubMed 15109448 (cited by 3 submitters); PubMed 15300849 (cited by Labcorp Genetics (formerly Invitae), Labcorp and Quest Diagnostics Nichols Institute San Juan Capistrano); PubMed 19464396 (cited by Labcorp Genetics (formerly Invitae), Labcorp and Quest Diagnostics Nichols Institute San Juan Capistrano); PubMed 23842656 (cited by 3 submitters); PubMed 19602254 (cited by 4 submitters); PubMed 21454469 (cited by 3 submitters); PubMed 20233476 (cited by Quest Diagnostics Nichols Institute San Juan Capistrano); PubMed 37529773 (cited by Quest Diagnostics Nichols Institute San Juan Capistrano); PubMed 32742360 (cited by Quest Diagnostics Nichols Institute San Juan Capistrano); PubMed 18836774 (cited by Quest Diagnostics Nichols Institute San Juan Capistrano); PubMed 33720516 (cited by Quest Diagnostics Nichols Institute San Juan Capistrano); PubMed 37405915 (cited by Quest Diagnostics Nichols Institute San Juan Capistrano); PubMed 35441217 (cited by Quest Diagnostics Nichols Institute San Juan Capistrano); PubMed 28388566 (cited by Quest Diagnostics Nichols Institute San Juan Capistrano and Counsyl); PubMed 11739384 (cited by Quest Diagnostics Nichols Institute San Juan Capistrano and Counsyl); PubMed 12202531 (cited by Women's Health and Genetics/Laboratory Corporation of America, LabCorp); PubMed 26503325 (cited by Counsyl); PubMed 12510195 (cited by Counsyl); PubMed 8707293 (cited by Counsyl); PubMed 10408776 (cited by Counsyl); PubMed 11309459 (cited by Counsyl); PubMed 16775032 (cited by Counsyl); PubMed 11331613 (cited by Counsyl).